The following is an entry in ClinVar:

NM_001048174.2(MUTYH):c.1415A>T (p.Gln472Leu)

Gene: MUTYH (mutY DNA glycosylase; minus strand). Cytogenetic location: 1p34.1.
Variant type: single nucleotide variant.
Coding change: c.1415A>T on transcript NM_001048174.2 (MANE Select); coding-DNA position 1415, A replaced by T.
Protein change: p.Gln472Leu; replaces glutamine 472 with leucine.
Molecular consequence: missense variant. On other transcripts: non-coding transcript variant (7).
Genome position (GRCh38, 1-based): chr1:45,330,535, T>A on the plus strand (A>T on the coding strand, the complement: MUTYH is on the minus strand). VCF-style: chr1-45330535-T-A. GRCh37 (hg19) VCF-style: chr1-45796207-T-A.
Other names: c.1460A>T, p.Gln487Leu (NM_001293190.2); c.1448A>T, p.Gln483Leu (NM_001293191.2, NM_001407069.1, NM_001407077.1); c.1139A>T, p.Gln380Leu (NM_001293192.2, NM_001293196.2, NM_001407091.1); c.1415A>T, p.Gln472Leu (NM_001293195.2, NM_001407070.1, NM_001048171.2 and 6 more transcripts); c.1070A>T, p.Gln357Leu (NM_001350650.2, NM_001350651.2, NM_001407082.1); c.1418A>T, p.Gln473Leu (NM_001048172.2, NM_001407086.1, NM_001407071.1 and 1 more transcripts); c.1499A>T, p.Gln500Leu (NM_001128425.2); c.1457A>T, p.Gln486Leu (NM_001407083.1, NM_001407085.1); and 5 more; short protein forms Q380L, Q458L, Q472L, Q497L, Q479L, Q500L, Q444L, Q473L.
Identifiers: ClinVar variation 4113287 (VCV004113287.1).

ClinVar aggregate classification (germline): Uncertain significance (1 of 4 stars; one submission).

Conditions:
Hereditary cancer-predisposing syndrome. Also called: Tumor predisposition; Neoplastic Syndromes, Hereditary; Hereditary neoplastic syndrome; Hereditary Cancer Syndrome. Identifiers: Orphanet 140162, MedGen C0027672, MeSH D009386, MONDO:0015356.

Submission:

Ambry Genetics
Classification: Uncertain significance for Hereditary cancer-predisposing syndrome. Last evaluated: 2025-08-27. Review status: criteria provided, single submitter. Criteria: Ambry Variant Classification Scheme 2023. Collection method: clinical testing. Allele origin: germline.
Comment: The p.Q500L variant (also known as c.1499A>T), located in coding exon 15 of the MUTYH gene, results from an A to T substitution at nucleotide position 1499. The glutamine at codon 500 is replaced by leucine, an amino acid with dissimilar properties. This amino acid position is conserved. In addition, this alteration is predicted to be tolerated by in silico analysis. Based on the available evidence, the clinical significance of this variant remains unclear.